The following is an entry in ClinVar:

ClinVar aggregate classification (germline): Pathogenic (1 of 4 stars; one submission).

Conditions:
Alstrom syndrome (ALMS). Identifiers: Orphanet 64, MedGen C0268425, MONDO:0008763, OMIM 203800.

Submission:

Labcorp Genetics (formerly Invitae), Labcorp
Classification: Pathogenic for Alstrom syndrome. Last evaluated: 2024-03-08. Review status: criteria provided, single submitter. Criteria: Invitae Variant Classification Sherloc (09022015). Collection method: clinical testing. Allele origin: germline.
Comment: This sequence change creates a premature translational stop signal (p.Lys2132Tyrfs*29) in the ALMS1 gene. It is expected to result in an absent or disrupted protein product. Loss-of-function variants in ALMS1 are known to be pathogenic (PMID: 17594715). This variant is not present in population databases (gnomAD no frequency). This variant has not been reported in the literature in individuals affected with ALMS1-related conditions. For these reasons, this variant has been classified as Pathogenic.

Literature cited by the submitters: PubMed 17594715.

NM_001378454.1(ALMS1):c.6391_6397del (p.Lys2131fs)

Gene: ALMS1 (ALMS1 centrosome and basal body associated protein; plus strand). Cytogenetic location: 2p13.1.
Variant type: Deletion.
Coding change: c.6391_6397del on transcript NM_001378454.1 (MANE Select); coding-DNA positions 6391 to 6397, 7 bases deleted (AAAACAG; older notation c.6391_6397delAAAACAG).
Protein change: p.Lys2131fs; shifts the reading frame from lysine 2131.
Molecular consequence: frameshift variant.
Genome position (GRCh38, 1-based): chr2:73,452,918-73,452,924, AAAACAG deleted; deleting any 7 consecutive bases within chr2:73,452,915-73,452,924 gives the same sequence; the c. name uses the placement nearest the transcript's 3' end. VCF-style (leftmost placement, unchanged base first): chr2-73452914-CCAGAAAA-C. GRCh37 (hg19) VCF-style: chr2-73680041-CCAGAAAA-C.
Other names: c.6394_6400del, p.Lys2132fs (NM_015120.4); short protein forms K2131fs, K2132fs.
Identifiers: ClinVar variation 3645107 (VCV003645107.2).